The following is an entry in ClinVar:

NM_005120.3(MED12):c.854G>A (p.Gly285Glu)

Gene: MED12 (mediator complex subunit 12; plus strand). Cytogenetic location: Xq13.1.
Variant type: single nucleotide variant.
Coding change: c.854G>A on transcript NM_005120.3 (MANE Select); coding-DNA position 854, G replaced by A.
Protein change: p.Gly285Glu; replaces glycine 285 with glutamic acid.
Molecular consequence: missense variant.
Genome position (GRCh38, 1-based): chrX:71,121,569, G>A. VCF-style: chrX-71121569-G-A. GRCh37 (hg19) VCF-style: chrX-70341419-G-A.
Other names: short protein forms G285E.
Identifiers: ClinVar variation 4105994 (VCV004105994.1).

ClinVar aggregate classification (germline): Uncertain significance (1 of 4 stars; one submission).

Conditions:
Familial thoracic aortic aneurysm and aortic dissection (TAAD). Also called: Thoracic aortic aneurysms and dissections. Identifiers: Orphanet 91387, MedGen C4707243, MONDO:0019625.

Submission:

Ambry Genetics
Classification: Uncertain significance for Familial thoracic aortic aneurysm and aortic dissection. Last evaluated: 2025-08-03. Review status: criteria provided, single submitter. Criteria: Ambry Variant Classification Scheme 2023. Collection method: clinical testing. Allele origin: germline.
Comment: The p.G285E variant (also known as c.854G>A), located in coding exon 7 of the MED12 gene, results from a G to A substitution at nucleotide position 854. The glycine at codon 285 is replaced by glutamic acid, an amino acid with similar properties. This amino acid position is conserved. In addition, this alteration is predicted to be tolerated by in silico analysis. Based on the available evidence, the clinical significance of this variant remains unclear.